The following continues an entry in ClinVar:

NM_000350.3(ABCA4):c.5882G>A (p.Gly1961Glu)

Gene: ABCA4. ClinVar aggregate classification (germline): Pathogenic. Pathogenic (1).

Submissions 33 to 42 of 79:

ARUP Laboratories, Molecular Genetics and Genomics, ARUP Laboratories
Classification: Pathogenic. Last evaluated: 2022-10-21. Review status: criteria provided, single submitter. Criteria: ARUP Molecular Germline Variant Investigation Process 2021. Collection method: clinical testing. Allele origin: germline. Not counted in ClinVar's aggregate classification.
Comment: The ABCA4 c.5882G>A; p.Gly1961Glu variant (rs1800553) has been reported in the medical literature in both the homozygous and compound heterozygous state in many individuals with ABCA4-related diseases (Allikmets 1997, Cella 2009, Garces 2018, Salles 2017, Wiszniewski 2005). Studies on individuals homozygous for this variant indicate that it is most often associated with milder, later onset retinal disease (Burke 2012). The variant is described as pathogenic or likely pathogenic by several sources in the ClinVar database (Variation ID: 7888). The variant is also described as one of the most common pathogenic variant in Stargardt patients (Burke 2012) and is found in the general population with an overall allele frequency of 0.5% (1291/282848 alleles, including 10 homozygotes) and an allele frequency of 1.4% (422/30614 alleles) in the South Asian population in the Genome Aggregation Database. The glycine at this position is highly conserved and computational algorithms predict this variant is deleterious. In support of this prediction, functional studies show this variant lies in a critical functional domain and results in reduced function of this variant protein compared to the wild type protein (Garces 2018, Sun 2000). Considering available information, this variant is classified as pathogenic but may result in a milder clinical phenotype. References: Allikmets R et al. Mutation of the Stargardt disease gene (ABCR) in age-related macular degeneration. Science. 1997 Sep 19;277(5333):1805-7. Burke TR et al. Retinal phenotypes in patients homozygous for the G1961E mutation in the ABCA4 gene. Invest Ophthalmol Vis Sci. 2012 Jul 3;53(8):4458-67. Cella W et al. G1961E mutant allele in the Stargardt disease gene ABCA4 causes bull's eye maculopathy. Exp Eye Res. 2009 Jun 15;89(1):16-24 Garces F et al. Correlating the Expression and Functional Activity of ABCA4 Disease Variants With the Phenotype of Patients With Stargardt Disease. Invest Ophthalmol Vis Sci. 2018 May 1;59(6):2305-2315. Salles MV et al. Novel Complex ABCA4 Alleles in Brazilian Patients With Stargardt Disease: Genotype-Phenotype Correlation. Invest Ophthalmol Vis Sci. 2017 Nov 1;58(13):5723-5730 Sun H et al. Biochemical defects in ABCR protein variants associated with human retinopathies. Nat Genet. 2000 Oct;26(2):242-6. Wiszniewski W et al. ABCA4 mutations causing mislocalization are found frequently in patients with severe retinal dystrophies. Hum Mol Genet. 2005 Oct 1;14(19):2769-78

Victorian Clinical Genetics Services, Murdoch Childrens Research Institute
Classification: Pathogenic for Severe early-childhood-onset retinal dystrophy. Last evaluated: 2022-09-02. Review status: criteria provided, single submitter. Criteria: ACMG Guidelines, 2015. Collection method: clinical testing. Allele origin: germline. Inheritance: Autosomal recessive inheritance. Affected: yes. Not counted in ClinVar's aggregate classification.
Comment: Based on the classification scheme VCGS_Germline_v1.3.4, this variant is classified as Pathogenic. Following criteria are met: 0102 - Loss of function is a known mechanism of disease in this gene and is associated with Stargardt disease (MIM#248200) and other eye conditions (OMIM). (I) 0106 - This gene is associated with autosomal recessive disease (OMIM). (I) 0115 - Variants in this gene are known to have variable expressivity (PMID: 31522899). (I) 0200 - Variant is predicted to result in a missense amino acid change from glycine to glutamic acid. (I) 0252 - This variant is homozygous. (I) 0305 - Variant is present in gnomAD >=0.01 and <0.03 for a recessive condition (v2: 1271 heterozygotes, 10 homozygotes). (I) 0309 - An alternative amino acid change at the same position has been observed in gnomAD (v2) (26 heterozygotes, 0 homozygotes). (I) 0502 - Missense variant with conflicting in silico predictions and high conservation. (I) 0600 - Variant is located in the annotated NBD2 domain (PMID: 29847635). (I) 0701 - Other missense variants comparable to the one identified in this case have very strong previous evidence for pathogenicity. p.(Gly1961Ala) has been previously reported in patients with Stargardt disease (ClinVar, PMID: 22427542). (SP) 0801 - This variant has strong previous evidence of pathogenicity in unrelated individuals with mild and later onset Stargardt disease (ClinVar, PMID: 22661473, PMID: 28327576, PMID: 28130426, PMID: 29925512). (SP) 1002 - This variant has moderate functional evidence supporting abnormal protein function, where transfected cells displayed reduced ATPase activity and substrate binding (PMID: 29847635). (SP) 1208 - Inheritance information for this variant is not currently available in this individual. (I) Legend: (SP) - Supporting pathogenic, (I) - Information, (SB) - Supporting benign

MGZ Medical Genetics Center
Classification: Pathogenic for Severe early-childhood-onset retinal dystrophy. Last evaluated: 2022-07-26. Review status: criteria provided, single submitter. Criteria: ACMG Guidelines, 2015. Collection method: clinical testing. Allele origin: germline. Affected: yes. Observed: 5 variant alleles. Not counted in ClinVar's aggregate classification.
Comment: ACMG criteria applied: PM3_VSTR, PP1_STR, PS3_SUP, PP3

GeneDx
Classification: Pathogenic. Last evaluated: 2022-04-12. Review status: criteria provided, single submitter. Criteria: GeneDx Variant Classification Process June 2021. Collection method: clinical testing. Allele origin: germline. Affected: yes. Not counted in ClinVar's aggregate classification.
Comment: Published functional studies demonstrate this variant results in reduced ATPase activity (Sun et al., 2000); Reported as pathogenic in ClinVar by different clinical laboratories but additional evidence is not available (ClinVar Variation ID: 7888; ClinVar); In silico analysis supports that this missense variant has a deleterious effect on protein structure/function; This variant is associated with the following publications: (PMID: 25921964, 25082885, 26593885, 28611652, 9295268, 22661473, 31980526, 32581362, 31589614, 32000842, 32619608, 33090715, 32783370, 32815999, 33301772, 32037395, 10958763, 15614537, 21786275, 16103129, 22025579, 22264887, 24265693, 25097241, 25087612, 11017087, 19217903, 25640233, 27775217, 27884173, 27535533, 26247787, 27414126, 28327576, 28044389, 29555955, 28130426, 29847635, 28224992, 30060493, 28181551, 29114839, 28492530, 28118664, 29769798, 28157192, 30609409, 30924848, 29925512, 30718709, 29765157, 28559085, 30156925, 18161617, 31814694, 32141364, 31456290, 32036094, 32845068, 34327195, 34426522, 33909047, 34008892, 33302505, 31573552)

Institute of Human Genetics, University of Leipzig Medical Center
Classification: Pathogenic for Macular dystrophy. Last evaluated: 2021-11-22. Review status: criteria provided, single submitter. Criteria: ACMG Guidelines, 2015. Collection method: clinical testing. Allele origin: unknown. Affected: yes. Not counted in ClinVar's aggregate classification.
Comment: This variant was identified aspotentially compound heterozygous with NM_000350.3:c.3113C>T and NM_000350.3:c.1622T>C. Criteria applied: PM3_VSTR, PS3_SUP, PM5_STR, PP3

Institute of Medical Genetics and Applied Genomics, University Hospital Tübingen
Classification: Likely pathogenic for Stargardt disease. Last evaluated: 2021-10-25. Review status: criteria provided, single submitter. Criteria: ACMG Guidelines, 2015. Collection method: clinical testing. Allele origin: germline. Inheritance: Autosomal recessive inheritance. Affected: yes. Not counted in ClinVar's aggregate classification.

Laboratory of Medical Genetics, National & Kapodistrian University of Athens
Classification: Pathogenic for Severe early-childhood-onset retinal dystrophy. Last evaluated: 2021-10-01. Review status: criteria provided, single submitter. Criteria: ACMG Guidelines, 2015. Collection method: clinical testing. Allele origin: maternal. Affected: yes. Not counted in ClinVar's aggregate classification.
Comment: PM1, PM3, PM5, PP2, PP3, PP5

Genome-Nilou Lab
Classification: Pathogenic for Severe early-childhood-onset retinal dystrophy. Last evaluated: 2021-09-10. Review status: criteria provided, single submitter. Criteria: ACMG Guidelines, 2015. Collection method: clinical testing. Allele origin: germline. Affected: yes. Not counted in ClinVar's aggregate classification.

Johns Hopkins Genomics, Johns Hopkins University
Classification: Pathogenic for Cone-rod dystrophy 3. Last evaluated: 2021-04-14. Review status: criteria provided, single submitter. Criteria: ACMG Guidelines, 2015. Collection method: clinical testing. Allele origin: germline. Not counted in ClinVar's aggregate classification.
Comment: This ABCA4 variant (rs1800553) is among the most frequent retinal dystrophy-associated variants with an allele frequency of ~1.4% in South Asians. It has an entry in ClinVar. Individuals homozygous for p.Gly1961Glu show a range of retinal abnormalities but typically have a milder clinical presentation than individuals with additional ABCA4 variants on the opposite chromosome. This variant is located within a nucleotide binding domain of ABCA4, and functional studies demonstrate that this variant results in reduced ATPase activity9,10. This variant alone is not expected to cause CORD3. We consider c.5882G>A to be pathogenic.

Institute of Medical Molecular Genetics, University of Zurich
Classification: Likely pathogenic for Severe early-childhood-onset retinal dystrophy. Last evaluated: 2021-01-30. Review status: criteria provided, single submitter. Criteria: ACMG Guidelines, 2015. Collection method: clinical testing. Allele origin: germline. Affected: yes. Not counted in ClinVar's aggregate classification.